The following is an entry in ClinVar:

NM_001378964.1(CDON):c.1819C>T (p.Pro607Ser)

Gene: CDON (cell adhesion associated, oncogene regulated; minus strand). Cytogenetic location: 11q24.2.
Variant type: single nucleotide variant.
Coding change: c.1819C>T on transcript NM_001378964.1 (MANE Select); coding-DNA position 1819, C replaced by T.
Protein change: p.Pro607Ser; replaces proline 607 with serine.
Molecular consequence: missense variant.
Genome position (GRCh38, 1-based): chr11:126,005,791, G>A on the plus strand (C>T on the coding strand, the complement: CDON is on the minus strand). VCF-style: chr11-126005791-G-A. GRCh37 (hg19) VCF-style: chr11-125875686-G-A.
Other names: c.1819C>T, p.Pro607Ser (NM_001243597.3, NM_016952.6); short protein forms P607S.
Identifiers: ClinVar variation 931792 (VCV000931792.3), dbSNP rs1947104519, ClinGen allele CA383208471.

ClinVar aggregate classification (germline): Uncertain significance (1 of 4 stars; one submission).

Conditions:
Holoprosencephaly 11 (HPE11). Identifiers: Orphanet 2162, MedGen C3280215, MONDO:0013642, OMIM 614226.

Allele frequency attached by ClinVar (database versions not stated): gnomAD exomes below 0.00001; gnomAD 0.00001.
gnomAD v4.1: 4 of 1,613,764 alleles (0.00025%); highest among the groups gnomAD compares: Admixed American, 0.005%; no homozygotes.

Submission:

Centre for Mendelian Genomics, University Medical Centre Ljubljana
Classification: Uncertain significance for Holoprosencephaly 11. Last evaluated: 2018-10-10. Review status: criteria provided, single submitter. Criteria: ACMG Guidelines, 2015. Collection method: clinical testing. Allele origin: unknown. Affected: yes.
Comment: This variant was classified as: Uncertain significance. The available evidence on this variant's pathogenicity is insufficient or conflicting. The following ACMG criteria were applied in classifying this variant: PM2,PP3.